The following is an entry in ClinVar:

NM_182961.4(SYNE1):c.9577G>A (p.Glu3193Lys)

Gene: SYNE1 (spectrin repeat containing nuclear envelope protein 1; minus strand). Cytogenetic location: 6q25.2.
Variant type: single nucleotide variant.
Coding change: c.9577G>A on transcript NM_182961.4 (MANE Select); coding-DNA position 9577, G replaced by A.
Protein change: p.Glu3193Lys; replaces glutamic acid 3193 with lysine.
Molecular consequence: missense variant.
Genome position (GRCh38, 1-based): chr6:152,369,545, C>T on the plus strand (G>A on the coding strand, the complement: SYNE1 is on the minus strand). VCF-style: chr6-152369545-C-T. GRCh37 (hg19) VCF-style: chr6-152690680-C-T.
Other names: c.9598G>A, p.Glu3200Lys (NM_033071.5); short protein forms E3200K, E3193K.
Identifiers: ClinVar variation 648478 (VCV000648478.9), dbSNP rs761121679, ClinGen allele CA4057284.

ClinVar aggregate classification (germline): Uncertain significance. Review status: criteria provided, multiple submitters, no conflicts (2 of 4 stars). 2 submissions from 2 submitters: Uncertain significance (2). Last evaluated 2025-11-30.

Conditions:
Emery-Dreifuss muscular dystrophy 4, autosomal dominant (EDMD4). Also called: EMERY-DREIFUSS MUSCULAR DYSTROPHY 4 WITH VARIABLE FEATURES. Identifiers: Orphanet 261, MedGen C2751807, MONDO:0013071, OMIM 612998.
Autosomal recessive ataxia, Beauce type. Also called: Spinocerebellar ataxia, autosomal recessive 8; ATAXIA, RECESSIVE, OF BEAUCE; SYNE1-Related Autosomal Recessive Cerebellar Ataxia; SYNE1 Deficiency. Identifiers: Orphanet 88644, MedGen C1853116, MONDO:0012549, OMIM 610743.

Allele frequency attached by ClinVar (database versions not stated): gnomAD 0.00001; gnomAD exomes 0.00001; ExAC 0.00002; TOPMed 0.00003.
gnomAD v4.1: 13 of 1,614,098 alleles (0.00081%); highest among the groups gnomAD compares: South Asian, 0.0055%; no homozygotes.

Submissions (2):

Labcorp Genetics (formerly Invitae), Labcorp
Classification: Uncertain significance for Emery-Dreifuss muscular dystrophy 4, autosomal dominant; Autosomal recessive ataxia, Beauce type. Last evaluated: 2025-11-30. Review status: criteria provided, single submitter. Criteria: Invitae Variant Classification Sherloc (09022015). Collection method: clinical testing. Allele origin: germline.
Comment: This sequence change replaces glutamic acid, which is acidic and polar, with lysine, which is basic and polar, at codon 3200 of the SYNE1 protein (p.Glu3200Lys). This variant is present in population databases (rs761121679, gnomAD 0.01%). This variant has not been reported in the literature in individuals affected with SYNE1-related conditions. ClinVar contains an entry for this variant (Variation ID: 648478). An algorithm developed to predict the effect of missense changes on protein structure and function (PolyPhen-2) suggests that this variant is likely to be tolerated. In summary, the available evidence is currently insufficient to determine the role of this variant in disease. Therefore, it has been classified as a Variant of Uncertain Significance.

Neuberg Centre For Genomic Medicine, NCGM
Classification: Uncertain significance for Emery-Dreifuss muscular dystrophy 4, autosomal dominant. Review status: criteria provided, single submitter. Criteria: ACMG Guidelines, 2015. Collection method: clinical testing. Allele origin: germline. Inheritance: Autosomal dominant inheritance. Affected: yes.
Comment: The missense c.9577G>A(p.Glu3193Lys) variant in SYNE1 gene has not been reported previously as a pathogenic variant nor a benign variant, to our knowledge. The p.Glu3193Lys variant has been reported with allele frequency of 0.001% in gnomAD Exomes and is novel (not in any individuals) in 1000 Genomes. This variant has been reported to the ClinVar database as Uncertain Significance. The amino acid change p.Glu3193Lys in SYNE1 is predicted as conserved by GERP++ and PhyloP across 100 vertebrates. The amino acid Glu at position 3193 is changed to a Lys changing protein sequence and it might alter its composition and physico-chemical properties. For these reasons, this variant has been classified as a Variant of Uncertain Significance (VUS).